The following is an entry in ClinVar:

NM_018192.4(P3H2):c.632T>C (p.Met211Thr)

Gene: P3H2 (prolyl 3-hydroxylase 2; minus strand). Cytogenetic location: 3q28.
Variant type: single nucleotide variant.
Coding change: c.632T>C on transcript NM_018192.4 (MANE Select); coding-DNA position 632, T replaced by C.
Protein change: p.Met211Thr; replaces methionine 211 with threonine.
Molecular consequence: missense variant.
Genome position (GRCh38, 1-based): chr3:189,995,291, A>G on the plus strand (T>C on the coding strand, the complement: P3H2 is on the minus strand). VCF-style: chr3-189995291-A-G. GRCh37 (hg19) VCF-style: chr3-189713080-A-G.
Other names: c.89T>C, p.Met30Thr (NM_001134418.2); c.632T>C (NM_018192.3); short protein forms M211T, M30T.
Identifiers: ClinVar variation 2050906 (VCV002050906.2), dbSNP rs774044548, ClinGen allele CA2753292.
Genomic context (GRCh38, chr3:189,995,291, plus strand): 5'-AGATGAAACTTAGGAGCACTTAGCTCCCTGTGGTGAGGGCAGGGGCCCACAGAGCTTACC[A>G]TGTGTGGCTTGGCTTCTCTGTCTACCAACTGCAATGCTTCAACACCAGCTGTCGCCCTGT-3'
Protein context (NP_060662.2, residues 201-221): QLVDREAKPH[Met211Thr]ESYNAGVKHY

ClinVar aggregate classification (germline): Uncertain significance. Review status: criteria provided, multiple submitters, no conflicts (2 of 4 stars). 2 submissions from 2 submitters: Uncertain significance (2). Last evaluated 2025-05-03.

Conditions:
Inborn genetic diseases. Identifiers: MedGen C0950123, MeSH D030342.

Allele frequency attached by ClinVar (database versions not stated): gnomAD 0.00001; gnomAD exomes 0.00002; TOPMed below 0.00001; ExAC 0.00001.
gnomAD v4.1: 28 of 1,613,902 alleles (0.0017%); highest among the groups gnomAD compares: African/African-American, 0.0027%; no homozygotes.

Submissions (2):

Ambry Genetics
Classification: Uncertain significance for Inborn genetic diseases. Last evaluated: 2025-05-03. Review status: criteria provided, single submitter. Criteria: Ambry Variant Classification Scheme 2023. Collection method: clinical testing. Allele origin: germline.

Labcorp Genetics (formerly Invitae), Labcorp
Classification: Uncertain significance. Last evaluated: 2022-01-21. Review status: criteria provided, single submitter. Criteria: Invitae Variant Classification Sherloc (09022015). Collection method: clinical testing. Allele origin: germline.
Comment: This sequence change replaces methionine, which is neutral and non-polar, with threonine, which is neutral and polar, at codon 211 of the P3H2 protein (p.Met211Thr). This variant is present in population databases (rs774044548, gnomAD 0.008%). This variant has not been reported in the literature in individuals affected with P3H2-related conditions. Algorithms developed to predict the effect of missense changes on protein structure and function (SIFT, PolyPhen-2, Align-GVGD) all suggest that this variant is likely to be tolerated. In summary, the available evidence is currently insufficient to determine the role of this variant in disease. Therefore, it has been classified as a Variant of Uncertain Significance.